The following is an entry in ClinVar:

NM_002730.4(PRKACA):c.811C>T (p.Arg271Trp)

Gene: PRKACA (protein kinase cAMP-activated catalytic subunit alpha; minus strand). Cytogenetic location: 19p13.12.
Variant type: single nucleotide variant.
Coding change: c.811C>T on transcript NM_002730.4 (MANE Select); coding-DNA position 811, C replaced by T.
Protein change: p.Arg271Trp; replaces arginine 271 with tryptophan.
Molecular consequence: missense variant.
Genome position (GRCh38, 1-based): chr19:14,093,747, G>A on the plus strand (C>T on the coding strand, the complement: PRKACA is on the minus strand). VCF-style: chr19-14093747-G-A. GRCh37 (hg19) VCF-style: chr19-14204559-G-A.
Other names: c.811C>T (NM_002730.3); c.1039C>T, p.Arg347Trp (NM_001304349.2); c.787C>T, p.Arg263Trp (NM_207518.3); short protein forms R263W, R271W, R347W.
Identifiers: ClinVar variation 2649412 (VCV002649412.25), dbSNP rs1179462944, ClinGen allele CA404377369.
Genomic context (GRCh38, chr19:14,093,747, plus strand): 5'-CGTTGACCCCATTCTTGAGGTTCCCAAAGCGCTTGGTGAGATCTACCTGCAGGAGGTTCC[G>A]CAGCAGGTCCTTCAAGTCAGAGCTGAAGTGGGAAGGGAAGCGCACCTGGAGGAAGGGGTA-3'
Protein context (NP_002721.1, residues 261-281): HFSSDLKDLL[Arg271Trp]NLLQVDLTKR

ClinVar aggregate classification (germline): Uncertain significance. Review status: criteria provided, multiple submitters, no conflicts (2 of 4 stars). 2 submissions from 2 submitters: Uncertain significance (2). Last evaluated 2025-08-28.

Allele frequency attached by ClinVar (database versions not stated): gnomAD exomes 0.00001; TOPMed 0.00002.
gnomAD v4.1: 11 of 1,614,032 alleles (0.00068%); highest among the groups gnomAD compares: South Asian, 0.0011%; no homozygotes.

Submissions (2):

Ambry Genetics
Classification: Uncertain significance. Last evaluated: 2025-08-28. Review status: criteria provided, single submitter. Criteria: Ambry Variant Classification Scheme 2023. Collection method: clinical testing. Allele origin: germline.

CeGaT Center for Human Genetics Tuebingen
Classification: Uncertain significance. Last evaluated: 2023-02-01. Review status: criteria provided, single submitter. Criteria: CeGaT Center For Human Genetics Tuebingen Variant Classification Criteria Version 2. Collection method: clinical testing. Allele origin: germline. Affected: yes. Observed: 1 variant allele.
Comment: PRKACA: PM2